The following is an entry in ClinVar:

NM_001018111.3(PODXL):c.59_70del (p.Leu20_Ser23del)

Genes: PODXL (podocalyxin like; minus strand), LOC129999375 (ATAC-STARR-seq lymphoblastoid silent region 18663; plus strand). Cytogenetic location: 7q32.3.
Variant type: Deletion.
Coding change: c.59_70del on transcript NM_001018111.3 (MANE Select); coding-DNA positions 59 to 70, 12 bases deleted (TGCCGTCGTCGC).
Protein change: p.Leu20_Ser23del.
Molecular consequence: inframe deletion.
Genome position (GRCh38, 1-based): chr7:131,556,290-131,556,301, GCGACGACGGCA deleted on the plus strand (TGCCGTCGTCGC on the coding strand, the reverse complement: PODXL is on the minus strand); deleting any 12 consecutive bases within chr7:131,556,290-131,556,303 gives the same sequence; the c. name uses the placement nearest the transcript's 3' end. VCF-style (leftmost placement, unchanged base first): chr7-131556289-GGCGACGACGGCA-G. GRCh37 (hg19) VCF-style: chr7-131241048-GGCGACGACGGCA-G.
Other names: c.59_70del, p.Leu20_Ser23del (NM_005397.4).
Identifiers: ClinVar variation 2100347 (VCV002100347.4), dbSNP rs2485358335, ClinGen allele CA2580077477.
Genomic context (GRCh38, chr7:131,556,289, plus strand): 5'-AGTCCCGGCGGAACCCAGGCCGGCCACTCACCATTCTGGGAGGGCGACGGCGACGGCGAC[GGCGACGACGGCA>G]GCAGCGGCGGCGTTGACAACAGTAGCAGCAGCGCCGAGAGCGCCAGCGCGCAGCGCATCG-3'

ClinVar aggregate classification (germline): Uncertain significance (1 of 4 stars; one submission).

Submission:

Labcorp Genetics (formerly Invitae), Labcorp
Classification: Uncertain significance. Last evaluated: 2022-02-20. Review status: criteria provided, single submitter. Criteria: Invitae Variant Classification Sherloc (09022015). Collection method: clinical testing. Allele origin: germline.
Comment: This variant, c.59_70del, results in the deletion of 4 amino acid(s) of the PODXL protein (p.Leu20_Ser23del), but otherwise preserves the integrity of the reading frame. This variant is not present in population databases (gnomAD no frequency). This variant has not been reported in the literature in individuals affected with PODXL-related conditions. Experimental studies and prediction algorithms are not available or were not evaluated, and the functional significance of this variant is currently unknown. In summary, the available evidence is currently insufficient to determine the role of this variant in disease. Therefore, it has been classified as a Variant of Uncertain Significance.